The following is an entry in ClinVar:

NM_000465.4(BARD1):c.1401A>C (p.Glu467Asp)

Gene: BARD1 (BRCA1 associated RING domain 1; minus strand). Cytogenetic location: 2q35.
Variant type: single nucleotide variant.
Coding change: c.1401A>C on transcript NM_000465.4 (MANE Select); coding-DNA position 1401, A replaced by C.
Protein change: p.Glu467Asp; replaces glutamic acid 467 with aspartic acid.
Molecular consequence: missense variant. On other transcripts: non-coding transcript variant (3), intron variant (3).
Genome position (GRCh38, 1-based): chr2:214,767,649, T>G on the plus strand (A>C on the coding strand, the complement: BARD1 is on the minus strand). VCF-style: chr2-214767649-T-G. GRCh37 (hg19) VCF-style: chr2-215632373-T-G.
Other names: c.1344A>C, p.Glu448Asp (NM_001282543.2); c.159-15094A>C (NM_001282548.2); c.216-15094A>C (NM_001282545.2); c.364+24648A>C (NM_001282549.2); short protein forms E448D, E467D.
Identifiers: ClinVar variation 4867409 (VCV004867409.1).

ClinVar aggregate classification (germline): Uncertain significance (1 of 4 stars; one submission).

Conditions:
Hereditary cancer-predisposing syndrome. Also called: Neoplastic Syndromes, Hereditary; Tumor predisposition; Hereditary Cancer Syndrome; Hereditary neoplastic syndrome. Identifiers: Orphanet 140162, MedGen C0027672, MeSH D009386, MONDO:0015356.

Submission:

Ambry Genetics
Classification: Uncertain significance for Hereditary cancer-predisposing syndrome. Last evaluated: 2026-06-09. Review status: criteria provided, single submitter. Criteria: Ambry Variant Classification Scheme 2023. Collection method: clinical testing. Allele origin: germline.
Comment: The p.E467D variant (also known as c.1401A>C), located in coding exon 6 of the BARD1 gene, results from an A to C substitution at nucleotide position 1401. The glutamic acid at codon 467 is replaced by aspartic acid, an amino acid with highly similar properties. This amino acid position is conserved. In addition, the in silico prediction for this alteration is inconclusive. Based on the available evidence, the clinical significance of this variant remains unclear.